The following is an entry in ClinVar:

NM_000493.4(COL10A1):c.1874A>G (p.Tyr625Cys)

Genes: COL10A1 (collagen type X alpha 1 chain; minus strand), NT5DC1 (5'-nucleotidase domain containing 1; plus strand). Cytogenetic location: 6q22.1.
Variant type: single nucleotide variant.
Coding change: c.1874A>G on transcript NM_000493.4 (MANE Select); coding-DNA position 1874, A replaced by G.
Protein change: p.Tyr625Cys; replaces tyrosine 625 with cysteine.
Molecular consequence: missense variant. On other transcripts: intron variant (1).
Genome position (GRCh38, 1-based): chr6:116,120,242, T>C on the plus strand (A>G on the coding strand, the complement: COL10A1 is on the minus strand). VCF-style: chr6-116120242-T-C. GRCh37 (hg19) VCF-style: chr6-116441405-T-C.
Other names: c.1874A>G, p.Tyr625Cys (NM_001424106.1, NM_001424107.1); c.529+2297T>C (NM_152729.3); short protein forms Y625C.
Identifiers: ClinVar variation 2617350 (VCV002617350.3), dbSNP rs1490639989, ClinGen allele CA365386564.

ClinVar aggregate classification (germline): Uncertain significance. Review status: criteria provided, multiple submitters, no conflicts (2 of 4 stars). 2 submissions from 2 submitters: Uncertain significance (2). Last evaluated 2025-07-07.

Conditions:
Metaphyseal chondrodysplasia, Schmid type (MCDS). Also called: SPONDYLOMETAPHYSEAL DYSPLASIA, JAPANESE TYPE. Identifiers: Orphanet 174, MedGen C0265289, MONDO:0007983, OMIM 156500.
Inborn genetic diseases. Identifiers: MedGen C0950123, MeSH D030342.

Allele frequency attached by ClinVar (database versions not stated): TOPMed below 0.00001; gnomAD exomes 0.00001.
gnomAD v4.1: 4 of 1,614,232 alleles (0.00025%); highest among the groups gnomAD compares: Non-Finnish European, 0.00034%; no homozygotes.

Submissions (2):

Clinical Genomics Laboratory, Washington University in St. Louis
Classification: Uncertain significance for Metaphyseal chondrodysplasia, Schmid type. Last evaluated: 2025-07-07. Review status: criteria provided, single submitter. Criteria: ACMG Guidelines, 2015. Collection method: clinical testing. Allele origin: germline.
Comment: The COL10A1 c.1874A>G (p.Tyr625Cys) variant, to our knowledge, has not been reported in the medical literature but has been reported in the ClinVar database as a germline variant of uncertain significance by one submitter. This variant is only observed in 4/1,614,232 alleles in the general population (gnomAD v.4.1.0), indicating it is not a common variant. This variant resides within the nonhelical region (NC1), which is critical for the trimerization of COL10A1 and where most pathogenic variants cluster (Wu H et al., PMID: 33764685). Computational predictors indicate that the variant is damaging, evidence that correlates with impact to COL10A1 function. Due to limited information, and based on ACMG/AMP guidelines for variant interpretation (Richards S et al., PMID: 25741868), the clinical significance of this variant is uncertain at this time.

Ambry Genetics
Classification: Uncertain significance for Inborn genetic diseases. Last evaluated: 2023-08-08. Review status: criteria provided, single submitter. Criteria: Ambry Variant Classification Scheme 2023. Collection method: clinical testing. Allele origin: germline.